The following is an entry in ClinVar:

ClinVar aggregate classification (germline): Uncertain significance (1 of 4 stars; one submission).

Conditions:
Craniolenticulosutural dysplasia (CLSD). Also called: BOYADJIEV-JABS SYNDROME. Identifiers: Orphanet 50814, MedGen C1843042, MONDO:0011911, OMIM 607812.

gnomAD v4.1: 30 of 1,613,974 alleles (0.0019%); highest among the groups gnomAD compares: East Asian, 0.018%; no homozygotes.

Submission:

Labcorp Genetics (formerly Invitae), Labcorp
Classification: Uncertain significance for Craniolenticulosutural dysplasia. Last evaluated: 2025-10-21. Review status: criteria provided, single submitter. Criteria: Invitae Variant Classification Sherloc (09022015). Collection method: clinical testing. Allele origin: germline.
Comment: This sequence change replaces arginine, which is basic and polar, with histidine, which is basic and polar, at codon 682 of the SEC23A protein (p.Arg682His). This variant is present in population databases (rs749527149, gnomAD 0.02%). This variant has not been reported in the literature in individuals affected with SEC23A-related conditions. Invitae Evidence Modeling of protein sequence and biophysical properties (such as structural, functional, and spatial information, amino acid conservation, physicochemical variation, residue mobility, and thermodynamic stability) indicates that this missense variant is not expected to disrupt SEC23A protein function with a negative predictive value of 80%. In summary, the available evidence is currently insufficient to determine the role of this variant in disease. Therefore, it has been classified as a Variant of Uncertain Significance.

NM_006364.4(SEC23A):c.2045G>A (p.Arg682His)

Gene: SEC23A (SEC23 homolog A, COPII component; minus strand). Cytogenetic location: 14q21.1.
Variant type: single nucleotide variant.
Coding change: c.2045G>A on transcript NM_006364.4 (MANE Select); coding-DNA position 2045, G replaced by A.
Protein change: p.Arg682His; replaces arginine 682 with histidine.
Molecular consequence: missense variant.
Genome position (GRCh38, 1-based): chr14:39,040,829, C>T on the plus strand (G>A on the coding strand, the complement: SEC23A is on the minus strand). VCF-style: chr14-39040829-C-T. GRCh37 (hg19) VCF-style: chr14-39510033-C-T.
Other names: short protein forms R682H.
Identifiers: ClinVar variation 4751667 (VCV004751667.1).